The following is an entry in ClinVar:

ClinVar aggregate classification (germline): Pathogenic (1 of 4 stars; one submission).

Allele frequency attached by ClinVar (database versions not stated): gnomAD exomes below 0.00001.
gnomAD v4.1: 1 of 1,614,142 alleles (0.000062%); highest among the groups gnomAD compares: Non-Finnish European, 0.000085%; no homozygotes.

Submission:

Labcorp Genetics (formerly Invitae), Labcorp
Classification: Pathogenic. Last evaluated: 2023-03-17. Review status: criteria provided, single submitter. Criteria: Invitae Variant Classification Sherloc (09022015). Collection method: clinical testing. Allele origin: germline.
Comment: For these reasons, this variant has been classified as Pathogenic. This variant has not been reported in the literature in individuals affected with SLC12A3-related conditions. This variant is not present in population databases (gnomAD no frequency). This sequence change creates a premature translational stop signal (p.Cys868*) in the SLC12A3 gene. It is expected to result in an absent or disrupted protein product. Loss-of-function variants in SLC12A3 are known to be pathogenic (PMID: 20848653, 22009145, 25841442).

Literature cited by the submitters: PubMed 20848653; PubMed 22009145; PubMed 25841442.

NM_001126108.2(SLC12A3):c.2577C>A (p.Cys859Ter)

Gene: SLC12A3 (solute carrier family 12 member 3; plus strand). Cytogenetic location: 16q13.
Variant type: single nucleotide variant.
Coding change: c.2577C>A on transcript NM_001126108.2 (MANE Select); coding-DNA position 2577, C replaced by A.
Protein change: p.Cys859Ter; replaces cysteine 859 with a stop codon.
Molecular consequence: nonsense.
Genome position (GRCh38, 1-based): chr16:56,894,586, C>A. VCF-style: chr16-56894586-C-A. GRCh37 (hg19) VCF-style: chr16-56928498-C-A.
Other names: c.2604C>A, p.Cys868Ter (NM_000339.3); c.2601C>A, p.Cys867Ter (NM_001126107.2); c.2574C>A, p.Cys858Ter (NM_001410896.1); short protein forms C867*, C859*, C858*, C868*.
Identifiers: ClinVar variation 2875153 (VCV002875153.3), dbSNP rs2543542523, ClinGen allele CA395997497.